The following is an entry in ClinVar:

ClinVar aggregate classification (germline): Uncertain significance. Review status: criteria provided, single submitter (1 of 4 stars). 2 submissions from 2 submitters: Uncertain significance (1). 1 of the submissions does not count toward it. Last evaluated 2025-12-24.

Conditions:
TCF3-related disorder. Also called: TCF3-related condition.

Allele frequency attached by ClinVar (database versions not stated): gnomAD 0.00003; ExAC 0.00004; TOPMed 0.00005.
gnomAD v4.1: 21 of 1,613,814 alleles (0.0013%); highest among the groups gnomAD compares: Admixed American, 0.012%; 1 homozygote.

Submissions (2):

Labcorp Genetics (formerly Invitae), Labcorp
Classification: Uncertain significance. Last evaluated: 2025-12-24. Review status: criteria provided, single submitter. Criteria: Invitae Variant Classification Sherloc (09022015). Collection method: clinical testing. Allele origin: germline.
Comment: The TCF3 gene has multiple clinically relevant transcripts. This variant occurs in alternate transcript NM_001136139.3, and corresponds to NM_003200.4:c.1823-472C>T in the primary transcript. This sequence change replaces arginine, which is basic and polar, with tryptophan, which is neutral and slightly polar, at codon 567 of the TCF3 protein (p.Arg567Trp). This variant is present in population databases (rs757572121, gnomAD 0.01%). This missense change has been observed in individual(s) with clinical features of autsim (PMID: 35982159). ClinVar contains an entry for this variant (Variation ID: 1921820). Experimental studies and prediction algorithms are not available or were not evaluated, and the functional significance of this variant is currently unknown. Algorithms developed to predict the effect of sequence changes on RNA splicing suggest that this variant is not likely to affect RNA splicing. In summary, the available evidence is currently insufficient to determine the role of this variant in disease. Therefore, it has been classified as a Variant of Uncertain Significance.

PreventionGenetics, part of Exact Sciences
Classification: Uncertain significance for TCF3-related condition. Last evaluated: 2023-10-30. Review status: no assertion criteria provided. Collection method: clinical testing. Allele origin: germline. Not counted in ClinVar's aggregate classification.
Comment: The TCF3 c.1699C>T variant is predicted to result in the amino acid substitution p.Arg567Trp. This variant has been reported in an individual with autism spectrum disorder (Supplementary Data 1, Zhang et al. 2021. PubMed ID: 34745210). This variant is reported in 0.0098% of alleles in individuals of South Asian descent in gnomAD. At this time, the clinical significance of this variant is uncertain due to the absence of conclusive functional and genetic evidence.

Literature cited by the submitters: PubMed 35982159 (cited by Labcorp Genetics (formerly Invitae), Labcorp).

NM_001136139.4(TCF3):c.1699C>T (p.Arg567Trp)

Gene: TCF3 (transcription factor 3; minus strand). Cytogenetic location: 19p13.3.
Variant type: single nucleotide variant.
Coding change: c.1699C>T on transcript NM_001136139.4 (MANE Plus Clinical); coding-DNA position 1699, C replaced by T.
Protein change: p.Arg567Trp; replaces arginine 567 with tryptophan.
Molecular consequence: missense variant. On other transcripts: intron variant (2).
Genome position (GRCh38, 1-based): chr19:1,612,321, G>A on the plus strand (C>T on the coding strand, the complement: TCF3 is on the minus strand). VCF-style: chr19-1612321-G-A. GRCh37 (hg19) VCF-style: chr19-1612320-G-A.
Other names: c.1699C>T, p.Arg567Trp (NM_001351779.2); c.1820-472C>T (NM_001351778.2); c.1823-472C>T (NM_003200.5); c.1699C>T (NM_001351779.1); short protein forms R567W.
Identifiers: ClinVar variation 1921820 (VCV001921820.7), dbSNP rs757572121, ClinGen allele CA9049580.